The following is an entry in ClinVar:

NM_000094.4(COL7A1):c.3140-10del

Gene: COL7A1 (collagen type VII alpha 1 chain; minus strand). Cytogenetic location: 3p21.31.
Variant type: Deletion.
Coding change: c.3140-10del on transcript NM_000094.4 (MANE Select); 10 bases into the intron before coding-DNA position 3140, one base deleted (C; older notation c.3140-10delC).
Molecular consequence: intron variant.
Genome position (GRCh38, 1-based): chr3:48,587,118, G deleted on the plus strand (C on the coding strand, the reverse complement: COL7A1 is on the minus strand); the first of 4 consecutive G bases (chr3:48,587,118-48,587,121); deleting any one gives the same sequence. VCF-style (leftmost placement, unchanged base first): chr3-48587117-AG-A. GRCh37 (hg19) VCF-style: chr3-48624550-AG-A.
Identifiers: ClinVar variation 671901 (VCV000671901.1), dbSNP rs1228248856, ClinGen allele CA543046047.

ClinVar aggregate classification (germline): Likely benign (1 of 4 stars; one submission).

Submission:

GeneDx
Classification: Likely benign. Last evaluated: 2018-06-04. Review status: criteria provided, single submitter. Criteria: GeneDx Variant Classification (06012015). Collection method: clinical testing. Allele origin: germline. Affected: yes.
Comment: This variant is considered likely benign or benign based on one or more of the following criteria: it is a conservative change, it occurs at a poorly conserved position in the protein, it is predicted to be benign by multiple in silico algorithms, and/or has population frequency not consistent with disease.